The following is an entry in ClinVar:

NM_000179.3(MSH6):c.3303G>C (p.Lys1101Asn)

Gene: MSH6 (mutS homolog 6; plus strand). Cytogenetic location: 2p16.3.
Variant type: single nucleotide variant.
Coding change: c.3303G>C on transcript NM_000179.3 (MANE Select); coding-DNA position 3303, G replaced by C.
Protein change: p.Lys1101Asn; replaces lysine 1101 with asparagine.
Molecular consequence: missense variant.
Genome position (GRCh38, 1-based): chr2:47,803,550, G>C. VCF-style: chr2-47803550-G-C. GRCh37 (hg19) VCF-style: chr2-48030689-G-C.
Other names: c.2913G>C, p.Lys971Asn (NM_001281492.2); c.2397G>C, p.Lys799Asn (NM_001281493.2, NM_001281494.2, NM_001406811.1 and 6 more transcripts); c.3399G>C, p.Lys1133Asn (NM_001406795.1, NM_001406802.1); c.3303G>C, p.Lys1101Asn (NM_001406796.1, NM_001406800.1, NM_001406808.1 and 1 more transcripts); c.3006G>C, p.Lys1002Asn (NM_001406797.1, NM_001406818.1, NM_001406819.1 and 10 more transcripts); c.2778G>C, p.Lys926Asn (NM_001406799.1, NM_001406806.1, NM_001406807.1); c.3309G>C, p.Lys1103Asn (NM_001406813.1); c.1737G>C, p.Lys579Asn (NM_001406817.1); and 6 more; short protein forms K1075N, K1101N, K1133N, K28N, K416N, K50N, K813N, K926N.
Identifiers: ClinVar variation 2047829 (VCV002047829.4), dbSNP rs370353868, ClinGen allele CA346758536.
Genomic context (GRCh38, chr2:47,803,550, plus strand): 5'-GCCGGAAGATACCCCCCCCTTCTTAGAGCTTAAAGGATCACGCCATCCTTGCATTACGAA[G>C]ACTTTTTTTGGAGATGATTTTATTCCTAATGACATTCTAATAGGCTGTGAGGAAGAGGAG-3'
Protein context (NP_000170.1, residues 1091-1111): LKGSRHPCIT[Lys1101Asn]TFFGDDFIPN

ClinVar aggregate classification (germline): Uncertain significance (1 of 4 stars; one submission).

Conditions:
Hereditary nonpolyposis colorectal neoplasms. Identifiers: MedGen C0009405, MeSH D003123.

Allele frequency attached by ClinVar (database versions not stated): gnomAD exomes below 0.00001.

Submission:

Labcorp Genetics (formerly Invitae), Labcorp
Classification: Uncertain significance for Hereditary nonpolyposis colorectal neoplasms. Last evaluated: 2022-10-18. Review status: criteria provided, single submitter. Criteria: Invitae Variant Classification Sherloc (09022015). Collection method: clinical testing. Allele origin: germline.
Comment: This sequence change replaces lysine, which is basic and polar, with asparagine, which is neutral and polar, at codon 1101 of the MSH6 protein (p.Lys1101Asn). This variant is not present in population databases (gnomAD no frequency). This variant has not been reported in the literature in individuals affected with MSH6-related conditions. Advanced modeling of protein sequence and biophysical properties (such as structural, functional, and spatial information, amino acid conservation, physicochemical variation, residue mobility, and thermodynamic stability) performed at Invitae indicates that this missense variant is not expected to disrupt MSH6 protein function. In summary, the available evidence is currently insufficient to determine the role of this variant in disease. Therefore, it has been classified as a Variant of Uncertain Significance.